The following is an entry in ClinVar:

ClinVar aggregate classification (germline): Uncertain significance (1 of 4 stars; one submission).

Conditions:
PPM1F-related condition.

gnomAD v4.1: 21 of 1,613,062 alleles (0.0013%); highest among the groups gnomAD compares: Non-Finnish European, 0.0017%; no homozygotes.

Submission:

PreventionGenetics, part of Exact Sciences
Classification: Uncertain significance for PPM1F-related condition. Last evaluated: 2026-03-27. Review status: criteria provided, single submitter. Criteria: ACMG Guidelines, 2015. Collection method: clinical testing. Allele origin: germline.
Comment: The PPM1F c.136G>T variant is predicted to result in the amino acid substitution p.Gly46Trp. To our knowledge, this variant has not been reported in the literature. This variant is reported in 0.0027% of alleles in individuals of European (Non-Finnish) descent in gnomAD. At this time, the clinical significance of this variant is uncertain due to the absence of conclusive functional and genetic evidence.

NM_014634.4(PPM1F):c.136G>T (p.Gly46Trp)

Gene: PPM1F (protein phosphatase, Mg2+/Mn2+ dependent 1F; minus strand). Cytogenetic location: 22q11.22.
Variant type: single nucleotide variant.
Coding change: c.136G>T on transcript NM_014634.4 (MANE Select); coding-DNA position 136, G replaced by T.
Protein change: p.Gly46Trp; replaces glycine 46 with tryptophan.
Molecular consequence: missense variant. On other transcripts: intron variant (1).
Genome position (GRCh38, 1-based): chr22:21,945,913, C>A on the plus strand (G>T on the coding strand, the complement: PPM1F is on the minus strand). VCF-style: chr22-21945913-C-A. GRCh37 (hg19) VCF-style: chr22-22300285-C-A.
Other names: c.-298-6233G>T (NM_001410836.1); short protein forms G46W.
Identifiers: ClinVar variation 4995210 (VCV004995210.1).